The following is an entry in ClinVar:

NM_000363.5(TNNI3):c.99_100dup (p.His34fs)

Gene: TNNI3 (troponin I3, cardiac type; minus strand). Cytogenetic location: 19q13.42.
Variant type: Duplication.
Coding change: c.99_100dup on transcript NM_000363.5 (MANE Select); coding-DNA positions 99 to 100, 2 bases duplicated (GC; older notation c.99_100dupGC).
Protein change: p.His34fs; shifts the reading frame from histidine 34.
Molecular consequence: frameshift variant.
Genome position (GRCh38, 1-based): chr19:55,157,058-55,157,059, GC duplicated on the plus strand (GC on the coding strand, the reverse complement: TNNI3 is on the minus strand); duplicating any 2 consecutive bases within chr19:55,157,058-55,157,060 gives the same sequence; the c. name uses the placement nearest the transcript's 3' end. VCF-style (leftmost placement, unchanged base first): chr19-55157057-T-TGC. GRCh37 (hg19) VCF-style: chr19-55668425-T-TGC.
Other names: short protein forms H34fs.
Identifiers: ClinVar variation 933805 (VCV000933805.6), dbSNP rs1251941984, ClinGen allele CA633872282.

ClinVar aggregate classification (germline): Pathogenic (1 of 4 stars; one submission).

Conditions:
Hypertrophic cardiomyopathy. Also called: HYPERTROPHIC MYOCARDIOPATHY. Identifiers: Orphanet 217569, MedGen C0007194, MeSH D002312, MONDO:0005045, HP:0001639.

Submission:

Labcorp Genetics (formerly Invitae), Labcorp
Classification: Pathogenic for Hypertrophic cardiomyopathy. Last evaluated: 2025-10-14. Review status: criteria provided, single submitter. Criteria: Invitae Variant Classification Sherloc (09022015). Collection method: clinical testing. Allele origin: germline.
Comment: This sequence change creates a premature translational stop signal (p.His34Argfs*17) in the TNNI3 gene. It is expected to result in an absent or disrupted protein product. Loss-of-function variants in TNNI3 are known to be pathogenic (PMID: 31568572, 34036930, 35838873). This variant is present in population databases (no rsID available, gnomAD 0.007%). This variant has not been reported in the literature in individuals affected with TNNI3-related conditions. ClinVar contains an entry for this variant (Variation ID: 933805). For these reasons, this variant has been classified as Pathogenic.

Literature cited by the submitters: PubMed 31568572; PubMed 34036930; PubMed 35838873.